The following is an entry in ClinVar:

ClinVar aggregate classification (germline): Uncertain significance (1 of 4 stars; one submission).

Submission:

Labcorp Genetics (formerly Invitae), Labcorp
Classification: Uncertain significance. Last evaluated: 2022-07-31. Review status: criteria provided, single submitter. Criteria: Invitae Variant Classification Sherloc (09022015). Collection method: clinical testing. Allele origin: germline.
Comment: In summary, the available evidence is currently insufficient to determine the role of this variant in disease. Therefore, it has been classified as a Variant of Uncertain Significance. Algorithms developed to predict the effect of missense changes on protein structure and function are either unavailable or do not agree on the potential impact of this missense change (SIFT: "Tolerated"; PolyPhen-2: "Not Available"; Align-GVGD: "Class C0"). This variant has not been reported in the literature in individuals affected with NFS1-related conditions. The frequency data for this variant in the population databases is considered unreliable, as metrics indicate poor data quality at this position in the gnomAD database. This sequence change replaces arginine, which is basic and polar, with glutamine, which is neutral and polar, at codon 4 of the NFS1 protein (p.Arg4Gln).

NM_021100.5(NFS1):c.11G>A (p.Arg4Gln)

Gene: NFS1 (NFS1 cysteine desulfurase; minus strand). Cytogenetic location: 20q11.22.
Variant type: single nucleotide variant.
Coding change: c.11G>A on transcript NM_021100.5 (MANE Select); coding-DNA position 11, G replaced by A.
Protein change: p.Arg4Gln; replaces arginine 4 with glutamine.
Molecular consequence: missense variant. On other transcripts: non-coding transcript variant (1).
Genome position (GRCh38, 1-based): chr20:35,699,278, C>T on the plus strand (G>A on the coding strand, the complement: NFS1 is on the minus strand). VCF-style: chr20-35699278-C-T. GRCh37 (hg19) VCF-style: chr20-34287200-C-T.
Other names: c.11G>A, p.Arg4Gln (NM_001198989.2); short protein forms R4Q.
Identifiers: ClinVar variation 1947467 (VCV001947467.5), dbSNP rs1482854694, ClinGen allele CA408772212.